The following is an entry in ClinVar:

NM_001267550.2(TTN):c.104591C>T (p.Pro34864Leu)

Genes: TTN (titin; minus strand), TTN-AS1 (TTN antisense RNA 1; plus strand). Cytogenetic location: 2q31.2.
Variant type: single nucleotide variant.
Coding change: c.104591C>T on transcript NM_001267550.2 (MANE Select); coding-DNA position 104591, C replaced by T.
Protein change: p.Pro34864Leu; replaces proline 34864 with leucine.
Molecular consequence: missense variant.
Genome position (GRCh38, 1-based): chr2:178,532,024, G>A on the plus strand (C>T on the coding strand, the complement: TTN is on the minus strand). VCF-style: chr2-178532024-G-A. GRCh37 (hg19) VCF-style: chr2-179396751-G-A.
Other names: c.99668C>T, p.Pro33223Leu (NM_001256850.1); c.77396C>T, p.Pro25799Leu (NM_003319.4); c.96887C>T, p.Pro32296Leu (NM_133378.4); c.77771C>T, p.Pro25924Leu (NM_133432.3); c.77972C>T, p.Pro25991Leu (NM_133437.4); short protein forms P32296L, P34864L, P25924L, P33223L, P25799L, P25991L.
Identifiers: ClinVar variation 332690 (VCV000332690.9), dbSNP rs72629788, ClinGen allele CA1985394.

ClinVar aggregate classification (germline): Conflicting classifications of pathogenicity. Review status: criteria provided, conflicting classifications (1 of 4 stars). 7 submissions from 3 submitters: Uncertain significance (5); Benign (2). Last evaluated 2021-11-15.

Conditions:
Tibial muscular dystrophy (TMD). Also called: Udd Distal Myopathy – Tibial Muscular Dystrophy; UDD MYOPATHY; Tibial muscular dystrophy, tardive. Identifiers: Orphanet 609, MedGen C1838244, MONDO:0010870, OMIM 600334.
Cardiovascular phenotype. Identifiers: MedGen CN230736.
Dilated cardiomyopathy 1G (CMD1G). Identifiers: Orphanet 154, MedGen C1858763, MONDO:0011400, OMIM 604145.
Early-onset myopathy with fatal cardiomyopathy (CMYO5). Also called: CONGENITAL MYOPATHY 5 WITH CARDIOMYOPATHY; Salih Myopathy. Identifiers: Orphanet 289377, MedGen C2673677, MONDO:0012714, OMIM 611705. Disease mechanism: loss of function.
Myopathy, myofibrillar, 9, with early respiratory failure (MFM9). Also called: Myopathy, distal, with early respiratory failure, autosomal dominant; Hereditary myopathy with early respiratory failure; EDSTROM MYOPATHY; MYOPATHY, PROXIMAL, WITH EARLY RESPIRATORY MUSCLE INVOLVEMENT. Identifiers: Orphanet 178464, Orphanet 34521, MedGen C1863599, MONDO:0011362, OMIM 603689.
Autosomal recessive limb-girdle muscular dystrophy type 2J (LGMDR10). Also called: MUSCULAR DYSTROPHY, LIMB-GIRDLE, AUTOSOMAL RECESSIVE 10; Limb-girdle muscular dystrophy, type 2J. Identifiers: Orphanet 140922, MedGen C1837342, MONDO:0012127, OMIM 608807.

Allele frequency attached by ClinVar (database versions not stated): gnomAD exomes 0.00004 and 0.00009; gnomAD 0.00006 and 0.00007; TOPMed 0.00006; ESP Exome Variant Server 0.00008; ExAC 0.00014.
gnomAD v4.1: 74 of 1,613,848 alleles (0.0046%); highest among the groups gnomAD compares: Non-Finnish European, 0.0052%; no homozygotes.

Submissions (7):

Revvity Omics, Revvity
Classification: Uncertain significance. Last evaluated: 2021-11-15. Review status: criteria provided, single submitter. Criteria: ACMG Guidelines, 2015. Collection method: clinical testing. Allele origin: germline.

Ambry Genetics
Classification: Uncertain significance for Cardiovascular phenotype. Last evaluated: 2020-01-24. Review status: criteria provided, single submitter. Criteria: Ambry Variant Classification Scheme 2023. Collection method: clinical testing. Allele origin: germline.
Comment: The p.P25799L variant (also known as c.77396C>T), located in coding exon 185 of the TTN gene, results from a C to T substitution at nucleotide position 77396. The proline at codon 25799 is replaced by leucine, an amino acid with similar properties. This amino acid position is well conserved in available vertebrate species. In addition, this alteration is predicted to be tolerated by in silico analysis. Since supporting evidence is limited at this time, the clinical significance of this alteration remains unclear.

Illumina Laboratory Services, Illumina
Classification: Benign for Myopathy, myofibrillar, 9, with early respiratory failure. Last evaluated: 2018-01-13. Review status: criteria provided, single submitter. Criteria: ICSL Variant Classification Criteria 13 December 2019. Collection method: clinical testing. Allele origin: germline.
Comment: This variant was observed in the ICSL laboratory as part of a predisposition screen in an ostensibly healthy population. It had not been previously curated by ICSL or reported in the Human Gene Mutation Database (HGMD: prior to June 1st, 2018), and was therefore a candidate for classification through an automated scoring system. Utilizing variant allele frequency, disease prevalence and penetrance estimates, and inheritance mode, an automated score was calculated to assess if this variant is too frequent to cause the disease. Based on the score and internal cut-off values, a variant classified as benign is not then subjected to further curation. The score for this variant resulted in a classification of benign for this disease.

Illumina Laboratory Services, Illumina
Classification: Uncertain significance for Autosomal recessive limb-girdle muscular dystrophy type 2J. Last evaluated: 2018-01-13. Review status: criteria provided, single submitter. Criteria: ICSL Variant Classification Criteria 13 December 2019. Collection method: clinical testing. Allele origin: germline.

Illumina Laboratory Services, Illumina
Classification: Uncertain significance for Early-onset myopathy with fatal cardiomyopathy. Last evaluated: 2018-01-13. Review status: criteria provided, single submitter. Criteria: ICSL Variant Classification Criteria 13 December 2019. Collection method: clinical testing. Allele origin: germline.

Illumina Laboratory Services, Illumina
Classification: Benign for Tibial muscular dystrophy. Last evaluated: 2018-01-13. Review status: criteria provided, single submitter. Criteria: ICSL Variant Classification Criteria 13 December 2019. Collection method: clinical testing. Allele origin: germline.
Comment: the same text as in the submission from Illumina Laboratory Services, Illumina above.

Illumina Laboratory Services, Illumina
Classification: Uncertain significance for Dilated cardiomyopathy 1G. Last evaluated: 2018-01-13. Review status: criteria provided, single submitter. Criteria: ICSL Variant Classification Criteria 13 December 2019. Collection method: clinical testing. Allele origin: germline.